The following is an entry in ClinVar:

NM_001655.5(ARCN1):c.1276G>A (p.Asp426Asn)

Gene: ARCN1 (archain 1 coat protein complex I subunit delta; plus strand). Cytogenetic location: 11q23.3.
Variant type: single nucleotide variant.
Coding change: c.1276G>A on transcript NM_001655.5 (MANE Select); coding-DNA position 1276, G replaced by A.
Protein change: p.Asp426Asn; replaces aspartic acid 426 with asparagine.
Molecular consequence: missense variant.
Genome position (GRCh38, 1-based): chr11:118,597,741, G>A. VCF-style: chr11-118597741-G-A. GRCh37 (hg19) VCF-style: chr11-118468456-G-A.
Other names: c.1012G>A, p.Asp338Asn (NM_001142281.2); short protein forms D426N, D338N.
Identifiers: ClinVar variation 638398 (VCV000638398.4), dbSNP rs781853184, ClinGen allele CA6306274.

ClinVar aggregate classification (germline): Uncertain significance. Review status: criteria provided, multiple submitters, no conflicts (2 of 4 stars). 2 submissions from 2 submitters: Uncertain significance (2). Last evaluated 2025-05-01.

Conditions:
Short stature, rhizomelic, with microcephaly, micrognathia, and developmental delay (SSMG). Also called: SHORT STATURE-MICROGNATHIA SYNDROME. Identifiers: Orphanet 659702, MedGen C4310686, MONDO:0014948, OMIM 617164.

Allele frequency attached by ClinVar (database versions not stated): gnomAD below 0.00001 and 0.00001; TOPMed 0.00002; ExAC 0.00005; gnomAD exomes 0.00009.
gnomAD v4.1: 60 of 1,614,058 alleles (0.0037%); highest among the groups gnomAD compares: South Asian, 0.06%; no homozygotes.

Submissions (2):

Labcorp Genetics (formerly Invitae), Labcorp
Classification: Uncertain significance. Last evaluated: 2025-05-01. Review status: criteria provided, single submitter. Criteria: Invitae Variant Classification Sherloc (09022015). Collection method: clinical testing. Allele origin: germline.
Comment: This sequence change replaces aspartic acid, which is acidic and polar, with asparagine, which is neutral and polar, at codon 426 of the ARCN1 protein (p.Asp426Asn). This variant is present in population databases (rs781853184, gnomAD 0.07%), and has an allele count higher than expected for a pathogenic variant. This variant has not been reported in the literature in individuals affected with ARCN1-related conditions. ClinVar contains an entry for this variant (Variation ID: 638398). An algorithm developed to predict the effect of missense changes on protein structure and function (PolyPhen-2) suggests that this variant is likely to be tolerated. In summary, the available evidence is currently insufficient to determine the role of this variant in disease. Therefore, it has been classified as a Variant of Uncertain Significance.

Genomic Research Center, Shahid Beheshti University of Medical Sciences
Classification: Uncertain significance for Short stature, rhizomelic, with microcephaly, micrognathia, and developmental delay. Last evaluated: 2019-04-27. Review status: criteria provided, single submitter. Criteria: ACMG Guidelines, 2015. Collection method: clinical testing. Allele origin: unknown. Affected: yes.